The following is an entry in ClinVar:

ClinVar aggregate classification (germline): Uncertain significance. Review status: criteria provided, multiple submitters, no conflicts (2 of 4 stars). 3 submissions from 3 submitters: Uncertain significance (3). Last evaluated 2024-10-11.

Conditions:
Mitochondrial hypertrophic cardiomyopathy with lactic acidosis due to MTO1 deficiency. Also called: Combined oxidative phosphorylation deficiency 10; CARDIOMYOPATHY, INFANTILE HYPERTROPHIC MITOCHONDRIAL, AND LACTIC ACIDOSIS. Identifiers: Orphanet 314637, MedGen C4749921, MONDO:0013865, OMIM 614702.
Inborn genetic diseases. Identifiers: MedGen C0950123, MeSH D030342.

Allele frequency attached by ClinVar (database versions not stated): ExAC 0.00007; gnomAD 0.00010; gnomAD exomes 0.00010 and 0.00013; TOPMed 0.00013; ESP Exome Variant Server 0.00015; 1000 Genomes Project 30x 0.00016; 1000 Genomes Project 0.00020.
gnomAD v4.1: 208 of 1,612,506 alleles (0.013%); highest among the groups gnomAD compares: Non-Finnish European, 0.016%; no homozygotes.

Submissions (3):

Ambry Genetics
Classification: Uncertain significance for Inborn genetic diseases. Last evaluated: 2024-10-11. Review status: criteria provided, single submitter. Criteria: Ambry Variant Classification Scheme 2023. Collection method: clinical testing. Allele origin: germline.

GeneDx
Classification: Uncertain significance. Last evaluated: 2022-11-07. Review status: criteria provided, single submitter. Criteria: GeneDx Variant Classification Process June 2021. Collection method: clinical testing. Allele origin: germline. Affected: yes.
Comment: Has not been previously published as pathogenic or benign to our knowledge

Labcorp Genetics (formerly Invitae), Labcorp
Classification: Uncertain significance for Mitochondrial hypertrophic cardiomyopathy with lactic acidosis due to MTO1 deficiency. Last evaluated: 2022-10-17. Review status: criteria provided, single submitter. Criteria: Invitae Variant Classification Sherloc (09022015). Collection method: clinical testing. Allele origin: germline.
Comment: This sequence change replaces glycine, which is neutral and non-polar, with serine, which is neutral and polar, at codon 494 of the MTO1 protein (p.Gly494Ser). This variant is present in population databases (rs139449947, gnomAD 0.02%). This variant has not been reported in the literature in individuals affected with MTO1-related conditions. ClinVar contains an entry for this variant (Variation ID: 569553). Advanced modeling of protein sequence and biophysical properties (such as structural, functional, and spatial information, amino acid conservation, physicochemical variation, residue mobility, and thermodynamic stability) has been performed at Invitae for this missense variant, however the output from this modeling did not meet the statistical confidence thresholds required to predict the impact of this variant on MTO1 protein function. In summary, the available evidence is currently insufficient to determine the role of this variant in disease. Therefore, it has been classified as a Variant of Uncertain Significance.

NM_012123.4(MTO1):c.1480G>A (p.Gly494Ser)

Gene: MTO1 (mitochondrial tRNA translation optimization 1; plus strand). Cytogenetic location: 6q13.
Variant type: single nucleotide variant.
Coding change: c.1480G>A on transcript NM_012123.4 (MANE Select); coding-DNA position 1480, G replaced by A.
Protein change: p.Gly494Ser; replaces glycine 494 with serine.
Molecular consequence: missense variant.
Genome position (GRCh38, 1-based): chr6:73,482,463, G>A. VCF-style: chr6-73482463-G-A. GRCh37 (hg19) VCF-style: chr6-74192186-G-A.
Other names: c.1600G>A, p.Gly534Ser (NM_001123226.2); c.1555G>A, p.Gly519Ser (NM_133645.3); c.1600G>A (NM_001123226.1); short protein forms G494S, G519S, G534S.
Identifiers: ClinVar variation 569553 (VCV000569553.7), dbSNP rs139449947, ClinGen allele CA3889668.